The following is an entry in ClinVar:

ClinVar aggregate classification (germline): Likely benign. Review status: criteria provided, multiple submitters, no conflicts (2 of 4 stars). 4 submissions from 4 submitters: Likely benign (4). Last evaluated 2025-05-03.

Conditions:
Cardiac arrhythmia. Also called: Cardiac rhythm disease; Arrhythmia. Identifiers: MedGen C0003811, MONDO:0007263, HP:0011675.
Long QT syndrome (LQTS). Identifiers: MedGen C0023976, MeSH D008133, MONDO:0002442. Disease mechanism: loss of function. Inheritance: Various modes of inheritance.
Cardiovascular phenotype. Identifiers: MedGen CN230736.

Allele frequency attached by ClinVar (database versions not stated): gnomAD exomes below 0.00001; ExAC 0.00002.
gnomAD v4.1: 3 of 1,605,908 alleles (0.00019%); highest among the groups gnomAD compares: Non-Finnish European, 0.00025%; no homozygotes.

Submissions (4):

Ambry Genetics
Classification: Likely benign for Cardiovascular phenotype. Last evaluated: 2025-05-03. Review status: criteria provided, single submitter. Criteria: Ambry Variant Classification Scheme 2023. Collection method: clinical testing. Allele origin: germline.

All of Us Research Program, National Institutes of Health
Classification: Likely benign for Long QT syndrome. Last evaluated: 2023-08-08. Review status: criteria provided, single submitter. Criteria: ACMG Guidelines, 2015. Collection method: clinical testing. Allele origin: germline. Inheritance: Autosomal dominant inheritance. Observed: 1 variant allele, 1 heterozygote.
Comment: This study involves interpretation of variants in research participants for the purpose of population health screening. Participant phenotype was not available at the time of variant classification. Additional details can be found in publication PMID: 35346344, PMCID: PMC8962531

Labcorp Genetics (formerly Invitae), Labcorp
Classification: Likely benign for Long QT syndrome. Last evaluated: 2023-02-02. Review status: criteria provided, single submitter. Criteria: Invitae Variant Classification Sherloc (09022015). Collection method: clinical testing. Allele origin: germline.

Color Diagnostics, LLC DBA Color Health
Classification: Likely benign for Cardiac arrhythmia. Last evaluated: 2022-11-06. Review status: criteria provided, single submitter. Criteria: ACMG Guidelines, 2015. Collection method: clinical testing. Allele origin: germline.

NM_000238.4(KCNH2):c.267C>G (p.Ala89=)

Gene: KCNH2 (potassium voltage-gated channel subfamily H member 2; minus strand). Cytogenetic location: 7q36.1.
Variant type: single nucleotide variant.
Coding change: c.267C>G on transcript NM_000238.4 (MANE Select); coding-DNA position 267, C replaced by G.
Protein change: p.Ala89=; no amino-acid change (alanine 89 retained).
Molecular consequence: synonymous variant. On other transcripts: non-coding transcript variant (1).
Genome position (GRCh38, 1-based): chr7:150,974,751, G>C on the plus strand (C>G on the coding strand, the complement: KCNH2 is on the minus strand). VCF-style: chr7-150974751-G-C. GRCh37 (hg19) VCF-style: chr7-150671839-G-C.
Other names: c.90C>G, p.Ala30= (NM_001406755.1); c.267C>G, p.Ala89= (NM_172056.3).
Identifiers: ClinVar variation 745713 (VCV000745713.10), dbSNP rs771100245, ClinGen allele CA034019.